The following is an entry in ClinVar:

NM_014727.3(KMT2B):c.6497T>C (p.Leu2166Pro)

Gene: KMT2B (lysine methyltransferase 2B; plus strand). Cytogenetic location: 19q13.12.
Variant type: single nucleotide variant.
Coding change: c.6497T>C on transcript NM_014727.3 (MANE Select); coding-DNA position 6497, T replaced by C.
Protein change: p.Leu2166Pro; replaces leucine 2166 with proline.
Molecular consequence: missense variant.
Genome position (GRCh38, 1-based): chr19:35,733,046, T>C. VCF-style: chr19-35733046-T-C. GRCh37 (hg19) VCF-style: chr19-36223947-T-C.
Other names: short protein forms L2166P.
Identifiers: ClinVar variation 3363478 (VCV003363478.1).

ClinVar aggregate classification (germline): Uncertain significance (1 of 4 stars; one submission).

Submission:

GeneDx
Classification: Uncertain significance. Last evaluated: 2023-10-24. Review status: criteria provided, single submitter. Criteria: GeneDx Variant Classification Process June 2021. Collection method: clinical testing. Allele origin: germline. Affected: yes.
Comment: Has not been previously published as pathogenic or benign to our knowledge; Not observed at significant frequency in large population cohorts (gnomAD); In silico analysis supports that this missense variant does not alter protein structure/function